The following is an entry in ClinVar:

ClinVar aggregate classification (germline): Uncertain significance. Review status: criteria provided, multiple submitters, no conflicts (2 of 4 stars). 2 submissions from 2 submitters: Uncertain significance (2). Last evaluated 2020-05-12.

Conditions:
Hereditary acrodermatitis enteropathica (AEZ). Also called: Acrodermatitis enteropathica. Identifiers: Orphanet 37, MedGen C0221036, MONDO:0008713, OMIM 201100.

Allele frequency attached by ClinVar (database versions not stated): gnomAD 0.00001; gnomAD exomes 0.00001 and below 0.00001; TOPMed 0.00001.

Submissions (2):

Baylor Genetics
Classification: Uncertain significance for Hereditary acrodermatitis enteropathica. Last evaluated: 2020-05-12. Review status: criteria provided, single submitter. Criteria: ACMG Guidelines, 2015. Collection method: clinical testing. Allele origin: paternal. Affected: yes.
Comment: This variant was determined to be of uncertain significance according to ACMG Guidelines, 2015 [PMID:25741868].

Illumina Laboratory Services, Illumina
Classification: Uncertain significance for Hereditary acrodermatitis enteropathica. Last evaluated: 2018-01-13. Review status: criteria provided, single submitter. Criteria: ICSL Variant Classification Criteria 13 December 2019. Collection method: clinical testing. Allele origin: germline.

NM_130849.4(SLC39A4):c.1319G>C (p.Ser440Thr)

Gene: SLC39A4 (solute carrier family 39 member 4; minus strand). Cytogenetic location: 8q24.3.
Variant type: single nucleotide variant.
Coding change: c.1319G>C on transcript NM_130849.4 (MANE Select); coding-DNA position 1319, G replaced by C.
Protein change: p.Ser440Thr; replaces serine 440 with threonine.
Molecular consequence: missense variant.
Genome position (GRCh38, 1-based): chr8:144,413,850, C>G on the plus strand (G>C on the coding strand, the complement: SLC39A4 is on the minus strand). VCF-style: chr8-144413850-C-G. GRCh37 (hg19) VCF-style: chr8-145639234-C-G.
Other names: c.1037G>C, p.Ser346Thr (NM_001374839.1); c.1244G>C, p.Ser415Thr (NM_017767.3); short protein forms S346T, S440T, S415T.
Identifiers: ClinVar variation 910704 (VCV000910704.5), dbSNP rs1221755475, ClinGen allele CA372619483.